The following is an entry in ClinVar:

ClinVar aggregate classification (germline): Uncertain significance. Review status: criteria provided, multiple submitters, no conflicts (2 of 4 stars). 2 submissions from 2 submitters: Uncertain significance (2). Last evaluated 2024-07-27.

Conditions:
Dilated cardiomyopathy 1O (CMD1O). Also called: CARDIOMYOPATHY, DILATED, WITH VENTRICULAR TACHYCARDIA. Identifiers: Orphanet 154, MedGen C1837839, MONDO:0012062, OMIM 608569.

Submissions (2):

Labcorp Genetics (formerly Invitae), Labcorp
Classification: Uncertain significance for Dilated cardiomyopathy 1O. Last evaluated: 2024-07-27. Review status: criteria provided, single submitter. Criteria: Invitae Variant Classification Sherloc (09022015). Collection method: clinical testing. Allele origin: germline.
Comment: This sequence change replaces threonine, which is neutral and polar, with isoleucine, which is neutral and non-polar, at codon 1053 of the ABCC9 protein (p.Thr1053Ile). This variant is not present in population databases (gnomAD no frequency). This variant has not been reported in the literature in individuals affected with ABCC9-related conditions. Advanced modeling of protein sequence and biophysical properties (such as structural, functional, and spatial information, amino acid conservation, physicochemical variation, residue mobility, and thermodynamic stability) has been performed at Invitae for this missense variant, however the output from this modeling did not meet the statistical confidence thresholds required to predict the impact of this variant on ABCC9 protein function. In summary, the available evidence is currently insufficient to determine the role of this variant in disease. Therefore, it has been classified as a Variant of Uncertain Significance.

Blueprint Genetics
Classification: Uncertain significance. Last evaluated: 2024-07-17. Review status: criteria provided, single submitter. Criteria: ACMG Guidelines, 2015. Collection method: clinical testing. Allele origin: germline.

NM_020297.4(ABCC9):c.3158C>T (p.Thr1053Ile)

Gene: ABCC9 (ATP binding cassette subfamily C member 9; minus strand). Cytogenetic location: 12p12.1.
Variant type: single nucleotide variant.
Coding change: c.3158C>T on transcript NM_020297.4 (MANE Select); coding-DNA position 3158, C replaced by T.
Protein change: p.Thr1053Ile; replaces threonine 1053 with isoleucine.
Molecular consequence: missense variant.
Genome position (GRCh38, 1-based): chr12:21,844,854, G>A on the plus strand (C>T on the coding strand, the complement: ABCC9 is on the minus strand). VCF-style: chr12-21844854-G-A. GRCh37 (hg19) VCF-style: chr12-21997788-G-A.
Other names: c.3158C>T, p.Thr1053Ile (NM_001377273.1, NM_005691.4); c.2291C>T, p.Thr764Ile (NM_001377274.1); short protein forms T1053I, T764I.
Identifiers: ClinVar variation 3660707 (VCV003660707.3).